The following is an entry in ClinVar:

ClinVar aggregate classification (germline): Uncertain significance. Review status: criteria provided, multiple submitters, no conflicts (2 of 4 stars). 2 submissions from 2 submitters: Uncertain significance (2). Last evaluated 2024-11-28.

Submissions (2):

Ambry Genetics
Classification: Uncertain significance. Last evaluated: 2024-11-28. Review status: criteria provided, single submitter. Criteria: Ambry Variant Classification Scheme 2023. Collection method: clinical testing. Allele origin: germline.

Women's Health and Genetics/Laboratory Corporation of America, LabCorp
Classification: Uncertain significance. Last evaluated: 2024-07-08. Review status: criteria provided, single submitter. Criteria: LabCorp Variant Classification Summary - May 2015. Collection method: clinical testing. Allele origin: germline.
Comment: Variant summary: CCNK c.1384C>A (p.Pro462Thr) results in a non-conservative amino acid change in the encoded protein sequence. Three of five in-silico tools predict a damaging effect of the variant on protein function. The variant allele was found at a frequency of 6.6e-06 in 151580 control chromosomes. The available data on variant occurrences in the general population are insufficient to allow any conclusion about variant significance. To our knowledge, no occurrence of c.1384C>A in individuals affected with Intellectual Developmental Disorder With Hypertelorism And Distinctive Facies and no experimental evidence demonstrating its impact on protein function have been reported. No submitters have cited clinical-significance assessments for this variant to ClinVar. Based on the evidence outlined above, the variant was classified as uncertain significance.

NM_001099402.2(CCNK):c.1384C>A (p.Pro462Thr)

Genes: CCDC85C (coiled-coil domain containing 85C; minus strand), CCNK (cyclin K; plus strand). Cytogenetic location: 14q32.2.
Variant type: single nucleotide variant.
Coding change: c.1384C>A on transcript NM_001099402.2 (MANE Select); coding-DNA position 1384, C replaced by A.
Protein change: p.Pro462Thr; replaces proline 462 with threonine.
Molecular consequence: missense variant. On other transcripts: 3 prime UTR variant (1).
Genome position (GRCh38, 1-based): chr14:99,510,423, C>A. VCF-style: chr14-99510423-C-A. GRCh37 (hg19) VCF-style: chr14-99976760-C-A.
Other names: c.*4823G>T (NM_001144995.2); c.1384C>A (NM_001099402.1); short protein forms P462T.
Identifiers: ClinVar variation 3339085 (VCV003339085.2).